The following is an entry in ClinVar:

NC_000003.12:g.169764669G>T

Gene: TERC (telomerase RNA component; minus strand). Cytogenetic location: 3q26.2.
Variant type: single nucleotide variant.
Genome position: GRCh38 VCF-style: chr3-169764669-G-T. GRCh37 (hg19) VCF-style: chr3-169482457-G-T.
Identifiers: ClinVar variation 1361693 (VCV001361693.6), dbSNP rs1777957949, ClinGen allele CA436714855.

ClinVar aggregate classification (germline): Uncertain significance (1 of 4 stars; one submission).

Conditions:
Dyskeratosis congenita, autosomal dominant 1 (DKCA1). Also called: Dyskeratosis congenita Scoggins type. Identifiers: Orphanet 1775, MedGen C4551974, MONDO:0007485, OMIM 127550. Inheritance: Variable.

Allele frequency attached by ClinVar (database versions not stated): gnomAD exomes below 0.00001; TOPMed below 0.00001.
gnomAD v4.1: 1 of 752,552 alleles (0.00013%); highest among the groups gnomAD compares: Admixed American, 0.0017%; no homozygotes.

Submission:

Labcorp Genetics (formerly Invitae), Labcorp
Classification: Uncertain significance for Dyskeratosis congenita, autosomal dominant 1. Last evaluated: 2021-09-23. Review status: criteria provided, single submitter. Criteria: Invitae Variant Classification Sherloc (09022015). Collection method: clinical testing. Allele origin: germline.
Comment: This variant is not present in population databases (ExAC no frequency). This variant has not been reported in the literature in individuals affected with TERC-related conditions. This variant is located within the BoxH/ACA scaRNA domain of the TERC RNA component, which is required for telomerase activity (PMID: 21844345). This variant occurs in the TERC gene, which encodes an RNA molecule that does not result in a protein product. In summary, the available evidence is currently insufficient to determine the role of this variant in disease. Therefore, it has been classified as a Variant of Uncertain Significance.

Literature cited by the submitters: PubMed 21844345.